The following is an entry in ClinVar:

NM_015072.5(TTLL5):c.1089del (p.Trp363fs)

Gene: TTLL5 (tubulin tyrosine ligase like 5; plus strand). Cytogenetic location: 14q24.3.
Variant type: Deletion.
Coding change: c.1089del on transcript NM_015072.5 (MANE Select); coding-DNA position 1089, one base deleted (G; older notation c.1089delG).
Protein change: p.Trp363fs; shifts the reading frame from tryptophan 363.
Molecular consequence: frameshift variant.
Genome position (GRCh38, 1-based): chr14:75,732,384, G deleted; the last of 2 consecutive G bases (chr14:75,732,383-75,732,384); deleting either gives the same sequence. VCF-style (leftmost placement, unchanged base first): chr14-75732382-TG-T. GRCh37 (hg19) VCF-style: chr14-76198725-TG-T.
Other names: short protein forms W363fs.
Identifiers: ClinVar variation 2871443 (VCV002871443.3), dbSNP rs2503122941, ClinGen allele CA2625763789.

ClinVar aggregate classification (germline): Pathogenic (1 of 4 stars; one submission).

Submission:

Labcorp Genetics (formerly Invitae), Labcorp
Classification: Pathogenic. Last evaluated: 2023-12-06. Review status: criteria provided, single submitter. Criteria: Invitae Variant Classification Sherloc (09022015). Collection method: clinical testing. Allele origin: germline.
Comment: This sequence change creates a premature translational stop signal (p.Trp363Cysfs*5) in the TTLL5 gene. It is expected to result in an absent or disrupted protein product. Loss-of-function variants in TTLL5 are known to be pathogenic (PMID: 24791901, 27162334). This variant is not present in population databases (gnomAD no frequency). This variant has not been reported in the literature in individuals affected with TTLL5-related conditions. For these reasons, this variant has been classified as Pathogenic.

Literature cited by the submitters: PubMed 24791901; PubMed 27162334.